The following is an entry in ClinVar:

NM_000384.3(APOB):c.4180G>A (p.Asp1394Asn)

Gene: APOB (apolipoprotein B; minus strand). Cytogenetic location: 2p24.1.
Variant type: single nucleotide variant.
Coding change: c.4180G>A on transcript NM_000384.3 (MANE Select); coding-DNA position 4180, G replaced by A.
Protein change: p.Asp1394Asn; replaces aspartic acid 1394 with asparagine.
Molecular consequence: missense variant.
Genome position (GRCh38, 1-based): chr2:21,013,196, C>T on the plus strand (G>A on the coding strand, the complement: APOB is on the minus strand). VCF-style: chr2-21013196-C-T. GRCh37 (hg19) VCF-style: chr2-21236068-C-T.
Other names: p.Asp1394Asn; short protein forms D1394N.
Identifiers: ClinVar variation 2502669 (VCV002502669.3), dbSNP rs1192605581, ClinGen allele CA346007456.

ClinVar aggregate classification (germline): Uncertain significance. Review status: criteria provided, multiple submitters, no conflicts (2 of 4 stars). 3 submissions from 3 submitters: Uncertain significance (3). Last evaluated 2025-08-13.

Conditions:
Cardiovascular phenotype. Identifiers: MedGen CN230736.

Allele frequency attached by ClinVar (database versions not stated): TOPMed below 0.00001.

Submissions (3):

Mayo Clinic Laboratories, Mayo Clinic
Classification: Uncertain significance. Last evaluated: 2025-08-13. Review status: criteria provided, single submitter. Criteria: ACMG Guidelines, 2015. Collection method: clinical testing. Allele origin: germline. Observed: 1 variant allele.
Comment: BP4_moderate, PM2_supporting

Ambry Genetics
Classification: Uncertain significance for Cardiovascular phenotype. Last evaluated: 2023-10-29. Review status: criteria provided, single submitter. Criteria: Ambry Variant Classification Scheme 2023. Collection method: clinical testing. Allele origin: germline.
Comment: The p.D1394N variant (also known as c.4180G>A), located in coding exon 25 of the APOB gene, results from a G to A substitution at nucleotide position 4180. The aspartic acid at codon 1394 is replaced by asparagine, an amino acid with highly similar properties. This amino acid position is conserved. In addition, this alteration is predicted to be tolerated by in silico analysis. Since supporting evidence is limited at this time, the clinical significance of this alteration remains unclear.

GeneDx
Classification: Uncertain significance. Last evaluated: 2022-11-17. Review status: criteria provided, single submitter. Criteria: GeneDx Variant Classification Process June 2021. Collection method: clinical testing. Allele origin: germline. Affected: yes.
Comment: Not observed at significant frequency in large population cohorts (gnomAD); In silico analysis supports that this missense variant does not alter protein structure/function; Has not been previously published as pathogenic or benign to our knowledge